The following is an entry in ClinVar:

ClinVar aggregate classification (germline): Uncertain significance (1 of 4 stars; one submission).

Allele frequency attached by ClinVar (database versions not stated): gnomAD exomes below 0.00001; TOPMed 0.00001.
gnomAD v4.1: 2 of 1,552,960 alleles (0.00013%); highest among the groups gnomAD compares: African/African-American, 0.0014%; no homozygotes.

Submission:

Labcorp Genetics (formerly Invitae), Labcorp
Classification: Uncertain significance. Last evaluated: 2024-10-21. Review status: criteria provided, single submitter. Criteria: Invitae Variant Classification Sherloc (09022015). Collection method: clinical testing. Allele origin: germline.
Comment: This sequence change replaces alanine, which is neutral and non-polar, with valine, which is neutral and non-polar, at codon 393 of the IMPDH1 protein (p.Ala393Val). The frequency data for this variant in the population databases is considered unreliable, as metrics indicate poor data quality at this position in the gnomAD database. This variant has not been reported in the literature in individuals affected with IMPDH1-related conditions. ClinVar contains an entry for this variant (Variation ID: 1958576). An algorithm developed to predict the effect of missense changes on protein structure and function (PolyPhen-2) suggests that this variant is likely to be tolerated. In summary, the available evidence is currently insufficient to determine the role of this variant in disease. Therefore, it has been classified as a Variant of Uncertain Significance.

NM_000883.4(IMPDH1):c.1178C>T (p.Ala393Val)

Gene: IMPDH1 (inosine monophosphate dehydrogenase 1; minus strand). Cytogenetic location: 7q32.1.
Variant type: single nucleotide variant.
Coding change: c.1178C>T on transcript NM_000883.4 (MANE Select); coding-DNA position 1178, C replaced by T.
Protein change: p.Ala393Val; replaces alanine 393 with valine.
Molecular consequence: missense variant.
Genome position (GRCh38, 1-based): chr7:128,396,683, G>A on the plus strand (C>T on the coding strand, the complement: IMPDH1 is on the minus strand). VCF-style: chr7-128396683-G-A. GRCh37 (hg19) VCF-style: chr7-128036737-G-A.
Other names: c.1148C>T, p.Ala383Val (NM_001102605.2); c.923C>T, p.Ala308Val (NM_001142573.2); c.908C>T, p.Ala303Val (NM_001142574.2); c.848C>T, p.Ala283Val (NM_001142575.2); c.1079C>T, p.Ala360Val (NM_001142576.2); c.971C>T, p.Ala324Val (NM_001304521.2); c.1070C>T, p.Ala357Val (NM_183243.3); short protein forms A383V, A303V, A393V, A357V, A360V, A283V, A308V, A324V.
Identifiers: ClinVar variation 1958576 (VCV001958576.5), dbSNP rs1371196763, ClinGen allele CA369165509.